The following is an entry in ClinVar:

ClinVar aggregate classification (germline): Uncertain significance (1 of 4 stars; one submission).

Conditions:
Familial adenomatous polyposis 1 (FAP1). Also called: FAMILIAL ADENOMATOUS POLYPOSIS 1, ATTENUATED; POLYPOSIS, ADENOMATOUS INTESTINAL. Identifiers: MedGen C2713442, MONDO:0021056, OMIM 175100. Disease mechanism: loss of function.

Submission:

Labcorp Genetics (formerly Invitae), Labcorp
Classification: Uncertain significance for Familial adenomatous polyposis 1. Last evaluated: 2021-06-24. Review status: criteria provided, single submitter. Criteria: Invitae Variant Classification Sherloc (09022015). Collection method: clinical testing. Allele origin: germline.
Comment: This variant has not been reported in the literature in individuals with APC-related conditions. This sequence change replaces serine with arginine at codon 1234 of the APC protein (p.Ser1234Arg). The serine residue is highly conserved and there is a moderate physicochemical difference between serine and arginine. This variant is not present in population databases (ExAC no frequency). Algorithms developed to predict the effect of missense changes on protein structure and function are either unavailable or do not agree on the potential impact of this missense change (SIFT: "Deleterious"; PolyPhen-2: "Possibly Damaging"; Align-GVGD: "Class C0"). In summary, the available evidence is currently insufficient to determine the role of this variant in disease. Therefore, it has been classified as a Variant of Uncertain Significance.

NM_000038.6(APC):c.3700A>C (p.Ser1234Arg)

Gene: APC (APC regulator of Wnt signaling pathway; plus strand). Cytogenetic location: 5q22.2.
Variant type: single nucleotide variant.
Coding change: c.3700A>C on transcript NM_000038.6 (MANE Select); coding-DNA position 3700, A replaced by C.
Protein change: p.Ser1234Arg; replaces serine 1234 with arginine.
Molecular consequence: missense variant.
Genome position (GRCh38, 1-based): chr5:112,839,294, A>C. VCF-style: chr5-112839294-A-C. GRCh37 (hg19) VCF-style: chr5-112174991-A-C.
Other names: c.3700A>C, p.Ser1234Arg (NM_001127510.3, NM_001354895.2); c.3646A>C, p.Ser1216Arg (NM_001127511.3); c.3754A>C, p.Ser1252Arg (NM_001354896.2); c.3730A>C, p.Ser1244Arg (NM_001354897.2); c.3625A>C, p.Ser1209Arg (NM_001354898.2); c.3616A>C, p.Ser1206Arg (NM_001354899.2); c.3577A>C, p.Ser1193Arg (NM_001354900.2); c.3523A>C, p.Ser1175Arg (NM_001354901.2); and 5 more; short protein forms S1175R, S1216R, S1244R, S951R, S1074R, S1193R, S1252R, S1108R.
Identifiers: ClinVar variation 1515533 (VCV001515533.8), dbSNP rs876659366, ClinGen allele CA16029451.